The following is an entry in ClinVar:

ClinVar aggregate classification (germline): Conflicting classifications of pathogenicity. Review status: criteria provided, conflicting classifications (1 of 4 stars). 8 submissions from 8 submitters: Pathogenic (5); Likely pathogenic (2); Uncertain significance (1). Last evaluated 2025-08-04.

Conditions:
EYS-related disorder. Also called: EYS-related condition.
Retinal dystrophy. Also called: Inherited retinal dystrophy. Identifiers: Orphanet 71862, MedGen C0854723, MeSH D058499, MONDO:0019118, HP:0000556.
Retinitis pigmentosa 25 (RP25). Identifiers: Orphanet 791, MedGen C1864446, MONDO:0011272, OMIM 602772.

Allele frequency attached by ClinVar (database versions not stated): gnomAD exomes below 0.00001; gnomAD 0.00001 and 0.00002; TOPMed 0.00001.
gnomAD v4.1: 6 of 1,551,162 alleles (0.00039%); highest among the groups gnomAD compares: East Asian, 0.0024%; no homozygotes.

Submissions (8):

Myriad Genetics, Inc.
Classification: Pathogenic for Retinitis pigmentosa 25. Last evaluated: 2025-08-04. Review status: criteria provided, single submitter. Criteria: Myriad Autosomal Dominant, Autosomal Recessive and X-Linked Classification Criteria (2023). Collection method: clinical testing. Allele origin: unknown.
Comment: NM_001142800.1(EYS):c.8545C>T(R2849*) is a nonsense variant classified as pathogenic in the context of retinitis pigmentosa, EYS-related. R2849* has been observed in cases with relevant disease (PMID: 31960602, 33576794). Relevant functional assessments of this variant are not available in the literature. R2849* has not been observed in referenced population frequency databases. In summary, NM_001142800.1(EYS):c.8545C>T(R2849*) is a nonsense variant in a gene where loss of function is a known mechanism of disease, is predicted to disrupt protein function, and has been observed more frequently in cases with the relevant disease than in healthy populations. Please note: this variant was assessed in the context of healthy population screening.

Natera, Inc.
Classification: Pathogenic for Retinitis pigmentosa type 25. Last evaluated: 2024-10-03. Review status: criteria provided, single submitter. Criteria: Natera Variant Classification Schema (03/2026). Collection method: clinical testing. Allele origin: germline.
Comment: The c.8545C>T variant in EYS is a nonsense variant predicted to introduce a stop codon at amino acid 2849. This variant is expected to result in nonsense mediated decay, truncation, or a dysfunctional protein product. This variant is rare in the general population with a frequency below the threshold expected for the associated phenotype(s). This variant has been observed in one or more individuals affected with the associated recessive disease, as either homozygous or compound heterozygous with a second variant (PMID: 34689181). Additionally, this variant has been observed to segregate in affected family members (PMID: 34689181). Given the available evidence, this variant is classified as Pathogenic.

Baylor Genetics
Classification: Pathogenic for Retinitis pigmentosa 25. Last evaluated: 2024-02-14. Review status: criteria provided, single submitter. Criteria: ACMG Guidelines, 2015. Collection method: clinical testing. Allele origin: unknown.

Labcorp Genetics (formerly Invitae), Labcorp
Classification: Pathogenic. Last evaluated: 2023-11-17. Review status: criteria provided, single submitter. Criteria: Invitae Variant Classification Sherloc (09022015). Collection method: clinical testing. Allele origin: germline.
Comment: This sequence change creates a premature translational stop signal (p.Arg2849*) in the EYS gene. While this is not anticipated to result in nonsense mediated decay, it is expected to disrupt the last 296 amino acid(s) of the EYS protein. This variant is not present in population databases (gnomAD no frequency). This variant has not been reported in the literature in individuals affected with EYS-related conditions. ClinVar contains an entry for this variant (Variation ID: 503517). This variant disrupts a region of the EYS protein in which other variant(s) (p.Tyr2935*) have been determined to be pathogenic (PMID: 22363543, 24652164, 28763560). This suggests that this is a clinically significant region of the protein, and that variants that disrupt it are likely to be disease-causing. For these reasons, this variant has been classified as Pathogenic.

Dept Of Ophthalmology, Nagoya University
Classification: Uncertain significance for Retinal dystrophy. Last evaluated: 2023-10-01. Review status: criteria provided, single submitter. Criteria: Submitter's publication. Collection method: research. Allele origin: germline. Affected: yes.

Mendelics
Classification: Pathogenic for Retinitis pigmentosa 25. Last evaluated: 2022-05-04. Review status: criteria provided, single submitter. Criteria: Mendelics Assertion Criteria 2019. Collection method: clinical testing. Allele origin: germline.

Blueprint Genetics
Classification: Likely pathogenic for EYS-related disorders. Last evaluated: 2018-12-31. Review status: criteria provided, single submitter. Criteria: ACMG Guidelines, 2015. Collection method: clinical testing. Allele origin: germline. Affected: yes. Observed: 1 variant allele.

GeneDx
Classification: Likely pathogenic. Last evaluated: 2017-09-07. Review status: criteria provided, single submitter. Criteria: GeneDx Variant Classification (06012015). Collection method: clinical testing. Allele origin: germline. Affected: yes.
Comment: The R2870X nonsense variant in the EYS gene has not been published as a pathogenic variant, nor has it been reported as a benign variant to our knowledge. It is predicted to cause loss of normal protein function through protein truncation. The variant is not observed in large population cohorts (Lek et al., 2016; 1000 Genomes Consortium et al., 2015; Exome Variant Server). In summary, we consider this variant to be likely pathogenic.

Literature cited by the submitters: PubMed 31960602 (cited by Myriad Genetics, Inc.); PubMed 33576794 (cited by Myriad Genetics, Inc.); PubMed 34689181 (cited by Natera, Inc.); PubMed 22363543 (cited by Labcorp Genetics (formerly Invitae), Labcorp); PubMed 24652164 (cited by Labcorp Genetics (formerly Invitae), Labcorp); PubMed 28763560 (cited by Labcorp Genetics (formerly Invitae), Labcorp).

NM_001142800.2(EYS):c.8545C>T (p.Arg2849Ter)

Genes: EYS (EGF-like photoreceptor maintenance factor; minus strand), PHF3 (PHD finger protein 3; plus strand). Cytogenetic location: 6q12.
Variant type: single nucleotide variant.
Coding change: c.8545C>T on transcript NM_001142800.2 (MANE Select); coding-DNA position 8545, C replaced by T.
Protein change: p.Arg2849Ter; replaces arginine 2849 with a stop codon.
Molecular consequence: nonsense. On other transcripts: 3 prime UTR variant (5).
Genome position (GRCh38, 1-based): chr6:63,721,486, G>A on the plus strand (C>T on the coding strand, the complement: EYS is on the minus strand). VCF-style: chr6-63721486-G-A. GRCh37 (hg19) VCF-style: chr6-64431382-G-A.
Other names: c.*7778G>A (NM_001290259.2, NM_001370348.2, NM_001370349.2 and 2 more transcripts); c.8608C>T, p.Arg2870Ter (NM_001292009.2); short protein forms R2849*, R2870*.
Identifiers: ClinVar variation 503517 (VCV000503517.16), dbSNP rs1326635278, ClinGen allele CA364384523.